The following is an entry in ClinVar:

NM_130797.4(DPP6):c.699C>A (p.Asp233Glu)

Gene: DPP6 (dipeptidyl peptidase like 6; plus strand). Cytogenetic location: 7q36.2.
Variant type: single nucleotide variant.
Coding change: c.699C>A on transcript NM_130797.4 (MANE Select); coding-DNA position 699, C replaced by A.
Protein change: p.Asp233Glu; replaces aspartic acid 233 with glutamic acid.
Molecular consequence: missense variant. On other transcripts: non-coding transcript variant (2), intron variant (1).
Genome position (GRCh38, 1-based): chr7:154,669,378, C>A. VCF-style: chr7-154669378-C-A. GRCh37 (hg19) VCF-style: chr7-154461088-C-A.
Other names: c.507C>A, p.Asp169Glu (NM_001039350.3, NM_001364501.2); c.516C>A, p.Asp172Glu (NM_001364497.2, NM_001364498.2, NM_001364499.2 and 1 more transcripts); c.513C>A, p.Asp171Glu (NM_001936.5); c.442-58389C>A (NM_001290252.2); short protein forms D169E, D171E, D172E, D233E.
Identifiers: ClinVar variation 4689580 (VCV004689580.1).

ClinVar aggregate classification (germline): Uncertain significance (1 of 4 stars; one submission).

Submission:

Women's Health and Genetics/Laboratory Corporation of America, LabCorp
Classification: Uncertain significance. Last evaluated: 2026-01-06. Review status: criteria provided, single submitter. Criteria: LabCorp Variant Classification Summary - May 2015. Collection method: clinical testing. Allele origin: germline.
Comment: Variant summary: DPP6 c.699C>A (p.Asp233Glu) results in a conservative amino acid change in the encoded protein sequence. Algorithms developed to predict the effect of missense changes on protein structure and function are either unavailable or do not agree on the potential impact of this missense change. The frequency data for this variant in gnomAD is considered unreliable, as metrics indicate poor data quality at this position. To our knowledge, no occurrence of c.699C>A in individuals affected with DPP6-related conditions and no experimental evidence demonstrating its impact on protein function have been reported. No submitters have cited clinical-significance assessments for this variant to ClinVar. Based on the evidence outlined above, the variant was classified as uncertain significance.